The following is an entry in ClinVar:

NM_018117.12(WDR11):c.1574G>A (p.Ser525Asn)

Gene: WDR11 (WD repeat domain 11; plus strand). Cytogenetic location: 10q26.12.
Variant type: single nucleotide variant.
Coding change: c.1574G>A on transcript NM_018117.12 (MANE Select); coding-DNA position 1574, G replaced by A.
Protein change: p.Ser525Asn; replaces serine 525 with asparagine.
Molecular consequence: missense variant.
Genome position (GRCh38, 1-based): chr10:120,878,370, G>A. VCF-style: chr10-120878370-G-A. GRCh37 (hg19) VCF-style: chr10-122637882-G-A.
Other names: short protein forms S525N.
Identifiers: ClinVar variation 4531402 (VCV004531402.1).

ClinVar aggregate classification (germline): Uncertain significance (1 of 4 stars; one submission).

Conditions:
Hypogonadotropic hypogonadism 14 with or without anosmia (HH14). Also called: HYPOGONADOTROPIC HYPOGONADISM 14 WITHOUT ANOSMIA. Identifiers: Orphanet 478, MedGen C3540450, MONDO:0013926, OMIM 614858.

Submission:

Victorian Clinical Genetics Services, Murdoch Childrens Research Institute
Classification: Uncertain significance for Hypogonadotropic hypogonadism 14 with or without anosmia. Last evaluated: 2025-01-15. Review status: criteria provided, single submitter. Criteria: ACMG Guidelines, 2015. Collection method: clinical testing. Allele origin: germline. Affected: yes.
Comment: This variant is classified as VUS-3B. Evidence in support of pathogenic classification: Variant is absent from gnomAD (v2, v3 and v4). Additional information: Variant is predicted to result in a missense amino acid change from serine to asparagine; This variant is heterozygous; This gene is associated with both recessive and dominant disease. Monoallelic variants are associated with hypogonadotropic hypogonadism 14 with or without anosmia (MIM#614858), while biallelic variants are associated with intellectual developmental disorder, autosomal recessive 78 (MIM#620237); Alternative amino acid change(s) at the same position are present in gnomAD (Highest alelle count: v4: 1 heterozygote(s), 0 homozygote(s)); This variant has no previous evidence of pathogenicity; No published segregation evidence has been identified for this variant; No published functional evidence has been identified for this variant; No comparable missense variants have previous evidence for pathogenicity; Variant is not located in an established domain, motif, hotspot or informative constraint region; Missense variant with inconclusive in silico prediction and uninformative conservation; Loss of function is a known mechanism of disease in this gene and is associated with hypogonadotropic hypogonadism 14 with or without anosmia (MIM#614858) and intellectual developmental disorder, autosomal recessive 78 (MIM#620237); The condition associated with this gene has incomplete penetrance (PMID: 29263200); Inheritance information for this variant is not currently available in this individual.

Literature cited by the submitters: PubMed 29263200.